The following is an entry in ClinVar:

ClinVar aggregate classification (germline): Pathogenic/Likely pathogenic. Review status: criteria provided, multiple submitters, no conflicts (2 of 4 stars). 18 submissions from 17 submitters: Pathogenic (15); Likely pathogenic (1). 2 of the submissions do not count toward it. Last evaluated 2026-05-26.

Conditions:
CNGB3-related disorder. Also called: CNGB3-related disorders; CNGB3-related condition. Identifiers: MedGen CN239340.
Retinal dystrophy. Also called: Inherited retinal dystrophy. Identifiers: Orphanet 71862, MedGen C0854723, MeSH D058499, MONDO:0019118, HP:0000556.
Achromatopsia. Also called: Rod monochromatism. Identifiers: Orphanet 49382, MedGen C0152200, MONDO:0018852, HP:0011516.
Achromatopsia 3 (ACHM3). Also called: ACHROMATOPSIA WITH MYOPIA; PINGELAPESE BLINDNESS; TOTAL COLORBLINDNESS WITH MYOPIA; ROD MONOCHROMACY 1; ROD MONOCHROMATISM 1. Identifiers: Orphanet 49382, MedGen C1849792, MONDO:0009875, OMIM 262300.

Allele frequency attached by ClinVar (database versions not stated): gnomAD 0.00002; gnomAD exomes 0.00002 and 0.00005; ExAC 0.00004; TOPMed 0.00005; ESP Exome Variant Server 0.00015.
gnomAD v4.1: 76 of 1,611,292 alleles (0.0047%); highest among the groups gnomAD compares: Non-Finnish European, 0.0061%; no homozygotes.

Submissions (18):

PreventionGenetics, part of Exact Sciences
Classification: Pathogenic for CNGB3-related condition. Last evaluated: 2026-05-26. Review status: criteria provided, single submitter. Criteria: ACMG Guidelines, 2015. Collection method: clinical testing. Allele origin: germline.
Comment: The CNGB3 c.1578+1G>A variant is predicted to disrupt the GT donor site and interfere with normal splicing. This variant has been reported, either in the homozygous state or in the heterozygous state along with a second potentially causative variant in the same gene, in individuals with achromatopsia (see for examples: Kohl et al. 2000. PubMed ID: 10958649; Table S1, Burkard et al. 2018. PubMed ID: 30418171; Table S1, Lin et al. 2024. PubMed ID: 38219857). This variant is present in 0.0044% of alleles in individuals of European (Non-Finnish) descent in gnomAD. Variants that disrupt the consensus splice donor site in CNGB3 are an established mechanism of disease. This variant is interpreted as pathogenic.

Natera, Inc.
Classification: Pathogenic for Achromatopsia. Last evaluated: 2025-10-31. Review status: criteria provided, single submitter. Criteria: Natera Variant Classification Schema (03/2026). Collection method: clinical testing. Allele origin: germline.
Comment: The c.1578+1G>A variant in CNGB3 is a canonical splice donor site variant predicted to affect pre-mRNA splicing, which may result in an abnormal transcript and altered protein product. This variant is expected to result in nonsense mediated decay, truncation, or a dysfunctional protein product. This variant is rare in the general population with a frequency below the threshold expected for the associated phenotype(s). This variant has been observed in one or more individuals affected with the associated recessive disease, as either homozygous or compound heterozygous with a second variant (PMID: 28795510). Given the available evidence, this variant is classified as Pathogenic.

Women's Health and Genetics/Laboratory Corporation of America, LabCorp
Classification: Pathogenic for Achromatopsia 3. Last evaluated: 2025-05-30. Review status: criteria provided, single submitter. Criteria: LabCorp Variant Classification Summary - May 2015. Collection method: clinical testing. Allele origin: germline.
Comment: Variant summary: CNGB3 c.1578+1G>A is located in a canonical splice-site and is predicted to affect mRNA splicing resulting in a significantly altered protein due to either exon skipping, shortening, or inclusion of intronic material. Variants that disrupt the consensus splice site are a relatively common cause of aberrant splicing and loss of CNGB3 function. The variant allele was found at a frequency of 2e-05 in 250134 control chromosomes. c.1578+1G>A has been observed in multiple individuals affected with Achromatopsia (e.g., Mayer_2017, Weisschuh_2024). These data indicate that the variant is very likely to be associated with disease. The following publications have been ascertained in the context of this evaluation (PMID: 28795510, 37734845). ClinVar contains an entry for this variant (Variation ID: 189031). Based on the evidence outlined above, the variant was classified as pathogenic.

Labcorp Genetics (formerly Invitae), Labcorp
Classification: Pathogenic. Last evaluated: 2024-07-09. Review status: criteria provided, single submitter. Criteria: Invitae Variant Classification Sherloc (09022015). Collection method: clinical testing. Allele origin: germline.
Comment: This sequence change affects a donor splice site in intron 13 of the CNGB3 gene. It is expected to disrupt RNA splicing. Variants that disrupt the donor or acceptor splice site typically lead to a loss of protein function (PMID: 16199547), and loss-of-function variants in CNGB3 are known to be pathogenic (PMID: 28795510). This variant is present in population databases (rs372006750, gnomAD 0.004%). Disruption of this splice site has been observed in individuals with achromatopsia (PMID: 10958649, 12187429). ClinVar contains an entry for this variant (Variation ID: 189031). Algorithms developed to predict the effect of sequence changes on RNA splicing suggest that this variant may disrupt the consensus splice site. For these reasons, this variant has been classified as Pathogenic.

GeneDx
Classification: Pathogenic. Last evaluated: 2024-07-08. Review status: criteria provided, single submitter. Criteria: GeneDx Variant Classification Process June 2021. Collection method: clinical testing. Allele origin: germline. Affected: yes.
Comment: Canonical splice site variant predicted to result in a null allele in a gene for which loss of function is a known mechanism of disease; This variant is associated with the following publications: (PMID: 24148654, 25558176, 12187429, 31429209, 32531858, 35456422, 25525159, 10958649, 28795510, 31589614, 32037395, 34449556, 31964843, 37734845, 36460718, 34321860, 15657609)

Fulgent Genetics
Classification: Pathogenic for Achromatopsia 3. Last evaluated: 2024-06-10. Review status: criteria provided, single submitter. Criteria: ACMG Guidelines, 2015. Collection method: clinical testing. Allele origin: germline.

Blueprint Genetics
Classification: Pathogenic for CNGB3-related disorders. Last evaluated: 2024-02-21. Review status: criteria provided, single submitter. Criteria: ACMG Guidelines, 2015. Collection method: clinical testing. Allele origin: germline. Affected: yes. Observed: 5 variant alleles.

Revvity Omics, Revvity
Classification: Pathogenic for Achromatopsia 3. Last evaluated: 2023-03-29. Review status: criteria provided, single submitter. Criteria: ACMG Guidelines, 2015. Collection method: clinical testing. Allele origin: germline.

Laboratory of Medical Genetics, National & Kapodistrian University of Athens
Classification: Pathogenic for Achromatopsia 3. Last evaluated: 2022-09-23. Review status: criteria provided, single submitter. Criteria: ACMG Guidelines, 2015. Collection method: clinical testing. Allele origin: germline. Affected: yes.
Comment: PVS1, PM2, PP5

CeGaT Center for Human Genetics Tuebingen
Classification: Pathogenic. Last evaluated: 2022-09-01. Review status: criteria provided, single submitter. Criteria: CeGaT Center For Human Genetics Tuebingen Variant Classification Criteria Version 2. Collection method: clinical testing. Allele origin: germline. Affected: yes. Observed: 4 variant alleles.
Comment: CNGB3: PM3:Very Strong, PVS1, PM2

Institute of Medical Molecular Genetics, University of Zurich
Classification: Likely pathogenic for Achromatopsia 3. Last evaluated: 2021-01-30. Review status: criteria provided, single submitter. Criteria: ACMG Guidelines, 2015. Collection method: clinical testing. Allele origin: unknown. Affected: yes.

Institute of Human Genetics, Univ. Regensburg, Univ. Regensburg
Classification: Pathogenic for Retinal dystrophy. Last evaluated: 2021-01-01. Review status: criteria provided, single submitter. Criteria: ACMG Guidelines, 2015. Collection method: clinical testing. Allele origin: germline. Affected: yes.

Institute of Medical Genetics and Applied Genomics, University Hospital Tübingen
Classification: Pathogenic. Last evaluated: 2020-10-23. Review status: criteria provided, single submitter. Criteria: ACMG Guidelines, 2015. Collection method: clinical testing. Allele origin: germline. Inheritance: Unknown mechanism. Affected: yes.

Molecular Genetics Laboratory, Institute for Ophthalmic Research
Classification: Pathogenic for Achromatopsia. Last evaluated: 2018-03-20. Review status: criteria provided, single submitter. Criteria: ACMG Guidelines, 2015. Collection method: research. Allele origin: germline. Affected: yes.

Centre for Mendelian Genomics, University Medical Centre Ljubljana
Classification: Pathogenic for Achromatopsia 3. Last evaluated: 2016-01-01. Review status: criteria provided, single submitter. Criteria: ACMG Guidelines, 2015. Collection method: clinical testing. Allele origin: unknown. Affected: yes.
Comment: This variant was classified as: Pathogenic. The following ACMG criteria were applied in classifying this variant: PVS1,PM2,PM3,PP3,PP5.

Eurofins Ntd Llc (ga)
Classification: Pathogenic. Last evaluated: 2014-10-17. Review status: criteria provided, single submitter. Criteria: EGL Classification Definitions 2015. Collection method: clinical testing. Allele origin: germline. Observed: 2 variant alleles, 2 heterozygotes.

Molecular Genetics Laboratory, Institute for Ophthalmic Research
Classification: Pathogenic for ACHM3. Last evaluated: 2017-03-27. Review status: no assertion criteria provided. Collection method: research. Allele origin: germline. Affected: yes. Not counted in ClinVar's aggregate classification.

Counsyl
Classification: Likely pathogenic for Achromatopsia 3. Last evaluated: 2014-10-22. Review status: no assertion criteria provided. Collection method: literature only. Allele origin: unknown. Inheritance: Autosomal recessive inheritance. Not counted in ClinVar's aggregate classification.

Literature cited by the submitters: PubMed 28795510 (cited by 4 submitters); PubMed 37734845 (cited by Women's Health and Genetics/Laboratory Corporation of America, LabCorp); PubMed 16199547 (cited by Labcorp Genetics (formerly Invitae), Labcorp); PubMed 10958649 (cited by 3 submitters); PubMed 12187429 (cited by Labcorp Genetics (formerly Invitae), Labcorp); PubMed 25525159 (cited by Institute of Human Genetics, Univ. Regensburg, Univ. Regensburg); PubMed 30418171 (cited by Institute of Human Genetics, Univ. Regensburg, Univ. Regensburg); PubMed 31589614 (cited by Institute of Human Genetics, Univ. Regensburg, Univ. Regensburg); PubMed 31964843 (cited by Institute of Human Genetics, Univ. Regensburg, Univ. Regensburg); PubMed 31429209 (cited by Institute of Human Genetics, Univ. Regensburg, Univ. Regensburg); PubMed 32531858 (cited by Institute of Human Genetics, Univ. Regensburg, Univ. Regensburg); PubMed 32037395 (cited by Institute of Human Genetics, Univ. Regensburg, Univ. Regensburg); PubMed 34449556 (cited by Institute of Human Genetics, Univ. Regensburg, Univ. Regensburg); PubMed 36460718 (cited by Institute of Human Genetics, Univ. Regensburg, Univ. Regensburg); PubMed 35456422 (cited by Institute of Human Genetics, Univ. Regensburg, Univ. Regensburg); PubMed 15657609 (cited by Eurofins Ntd Llc (ga) and Counsyl); PubMed 24148654 (cited by Counsyl).

NM_019098.5(CNGB3):c.1578+1G>A

Gene: CNGB3 (cyclic nucleotide gated channel subunit beta 3; minus strand). Cytogenetic location: 8q21.3.
Variant type: single nucleotide variant.
Coding change: c.1578+1G>A on transcript NM_019098.5 (MANE Select); the canonical splice donor site of the intron after coding-DNA position 1578, G replaced by A.
Molecular consequence: splice donor variant.
Genome position (GRCh38, 1-based): chr8:86,625,982, C>T on the plus strand (G>A on the coding strand, the complement: CNGB3 is on the minus strand). VCF-style: chr8-86625982-C-T. GRCh37 (hg19) VCF-style: chr8-87638210-C-T.
Identifiers: ClinVar variation 189031 (VCV000189031.67), dbSNP rs372006750, ClinGen allele CA274290.